The following is an entry in ClinVar:

NM_139076.3(ABRAXAS1):c.955G>A (p.Val319Ile)

Gene: ABRAXAS1 (abraxas 1, BRCA1 A complex subunit; minus strand). Cytogenetic location: 4q21.23.
Variant type: single nucleotide variant.
Coding change: c.955G>A on transcript NM_139076.3 (MANE Select); coding-DNA position 955, G replaced by A.
Protein change: p.Val319Ile; replaces valine 319 with isoleucine.
Molecular consequence: missense variant.
Genome position (GRCh38, 1-based): chr4:83,462,744, C>T on the plus strand (G>A on the coding strand, the complement: ABRAXAS1 is on the minus strand). VCF-style: chr4-83462744-C-T. GRCh37 (hg19) VCF-style: chr4-84383897-C-T.
Other names: c.628G>A, p.Val210Ile (NM_001345962.2); short protein forms V319I, V210I.
Identifiers: ClinVar variation 3444391 (VCV003444391.1).
Genomic context (GRCh38, chr4:83,462,744, plus strand): 5'-TAGCTGGACTAGCTTCAGGAATGTCAGTGTGTTCTACCATTAAGGTCAGATTGTCTACTA[C>T]ATCGAGATGGTGGTTGTAGTTACAGCTACTTTTAGAAACATGTCTATTTTTTAAAGACAT-3'
Protein context (NP_620775.2, residues 309-329): SSCNYNHHLD[Val319Ile]VDNLTLMVEH

ClinVar aggregate classification (germline): Uncertain significance (1 of 4 stars; one submission).

Submission:

Ambry Genetics
Classification: Uncertain significance. Last evaluated: 2024-10-30. Review status: criteria provided, single submitter. Criteria: Ambry Variant Classification Scheme 2023. Collection method: clinical testing. Allele origin: germline.
Comment: The p.V319I variant (also known as c.955G>A), located in coding exon 9 of the FAM175A gene, results from a G to A substitution at nucleotide position 955. The valine at codon 319 is replaced by isoleucine, an amino acid with highly similar properties. This amino acid position is conserved. In addition, this alteration is predicted to be tolerated by in silico analysis. Based on the available evidence, the clinical significance of this variant remains unclear.